The following is an entry in ClinVar:

NM_004168.4(SDHA):c.1294G>A (p.Val432Met)

Gene: SDHA (succinate dehydrogenase complex flavoprotein subunit A; plus strand). Cytogenetic location: 5p15.33.
Variant type: single nucleotide variant.
Coding change: c.1294G>A on transcript NM_004168.4 (MANE Select); coding-DNA position 1294, G replaced by A.
Protein change: p.Val432Met; replaces valine 432 with methionine.
Molecular consequence: missense variant.
Genome position (GRCh38, 1-based): chr5:236,461, G>A. VCF-style: chr5-236461-G-A. GRCh37 (hg19) VCF-style: chr5-236576-G-A.
Other names: c.1150G>A, p.Val384Met (NM_001294332.2); c.1294G>A, p.Val432Met (NM_001330758.2); short protein forms V384M, V432M.
Identifiers: ClinVar variation 1053742 (VCV001053742.13), dbSNP rs2126589526, ClinGen allele CA359013868.

ClinVar aggregate classification (germline): Uncertain significance (1 of 4 stars; one submission).

Conditions:
Mitochondrial complex II deficiency, nuclear type 1. Also called: SUCCINATE CoQ REDUCTASE DEFICIENCY. Identifiers: Orphanet 3208, MedGen C5700310, MONDO:0100294, OMIM 252011.
Pheochromocytoma/paraganglioma syndrome 5. Also called: Paragangliomas 5; SDHA-Related Hereditary Paraganglioma-Pheochromocytoma Syndrome. Identifiers: Orphanet 29072, MedGen C3279992, MONDO:0013602, OMIM 614165.

Allele frequency attached by ClinVar (database versions not stated): gnomAD exomes below 0.00001.
gnomAD v4.1: 2 of 1,614,016 alleles (0.00012%); highest among the groups gnomAD compares: Non-Finnish European, 0.00017%; no homozygotes.

Submission:

Labcorp Genetics (formerly Invitae), Labcorp
Classification: Uncertain significance for Pheochromocytoma/paraganglioma syndrome 5; Mitochondrial complex II deficiency, nuclear type 1. Last evaluated: 2020-02-12. Review status: criteria provided, single submitter. Criteria: Invitae Variant Classification Sherloc (09022015). Collection method: clinical testing. Allele origin: germline.
Comment: In summary, the available evidence is currently insufficient to determine the role of this variant in disease. Therefore, it has been classified as a Variant of Uncertain Significance. This sequence change replaces valine with methionine at codon 432 of the SDHA protein (p.Val432Met). The valine residue is moderately conserved and there is a small physicochemical difference between valine and methionine. This variant is not present in population databases (ExAC no frequency). This variant has not been reported in the literature in individuals with SDHA-related conditions. Algorithms developed to predict the effect of missense changes on protein structure and function are either unavailable or do not agree on the potential impact of this missense change (SIFT: "Deleterious"; PolyPhen-2: "Probably Damaging"; Align-GVGD: "Class C0").